The following is an entry in ClinVar:

NM_001242896.3(DEPDC5):c.3047_3050dup (p.Met1017fs)

Gene: DEPDC5 (DEP domain containing 5, GATOR1 subcomplex subunit; plus strand). Cytogenetic location: 22q12.3.
Variant type: Duplication.
Coding change: c.3047_3050dup on transcript NM_001242896.3 (MANE Select); coding-DNA positions 3047 to 3050, 4 bases duplicated (AGAT; older notation c.3047_3050dupAGAT).
Protein change: p.Met1017fs; shifts the reading frame from methionine 1017.
Molecular consequence: frameshift variant. On other transcripts: non-coding transcript variant (5).
Genome position (GRCh38, 1-based): chr22:31,846,859-31,846,862, AGAT duplicated. VCF-style (leftmost placement, unchanged base first): chr22-31846858-C-CAGAT. GRCh37 (hg19) VCF-style: chr22-32242844-C-CAGAT.
Other names: c.3020_3023dup, p.Met1008fs (NM_001136029.4, NM_001369903.1, NM_014662.6); c.2813_2816dup, p.Met939fs (NM_001242897.2, NM_001363854.2, NM_001364319.2); c.3047_3050dup, p.Met1017fs (NM_001363852.2, NM_001364318.2, NM_001364320.2); c.2963_2966dup, p.Met989fs (NM_001369901.1, NM_001369902.1); short protein forms M1008fs, M1017fs, M939fs, M989fs.
Identifiers: ClinVar variation 4854772 (VCV004854772.1).
Genomic context (GRCh38, chr22:31,846,858, plus strand): 5'-TTGGCTGATGGCCTTGTCTCCTCTTCTCTGCTTTAGAAAGGGACCGCCATGAAAGGCTTG[C>CAGAT]AGATGACTGGGCCCATTTCCACGCATTCTCTGGAGTCAACTGCACCCCCAGTGGGGAAGA-3'

ClinVar aggregate classification (germline): Likely pathogenic (1 of 4 stars; one submission).

Conditions:
Epilepsy, familial focal, with variable foci 1 (FFEVF1). Also called: DEPDC5-Related Epilepsy. Identifiers: MedGen C4551983, MONDO:0024556, OMIM 604364.

Submission:

3billion
Classification: Likely pathogenic for Epilepsy, familial focal, with variable foci 1. Last evaluated: 2025-10-31. Review status: criteria provided, single submitter. Criteria: ACMG Guidelines, 2015. Collection method: clinical testing. Allele origin: germline. Affected: yes.
Comment: The variant is not observed in the gnomAD v4.1.0 dataset. Predicted Consequence/Location: Frameshift: predicted to result in a loss or disruption of normal protein function through nonsense-mediated decay (NMD) or protein truncation. Multiple pathogenic variants are reported downstream of the variant. Therefore, this variant is classified as Likely pathogenic according to the recommendation of ACMG/AMP guideline.